The following is an entry in ClinVar:

ClinVar aggregate classification (germline): Uncertain significance. Review status: criteria provided, multiple submitters, no conflicts (2 of 4 stars). 3 submissions from 3 submitters: Uncertain significance (3). Last evaluated 2025-05-12.

Conditions:
Colorectal cancer. Also called: Malignant Colorectal Neoplasm; Colorectal cancer, somatic. Identifiers: MedGen C0346629, MONDO:0005575, OMIM 114500.
Oligodontia-cancer predisposition syndrome. Also called: TOOTH AGENESIS-COLORECTAL CANCER SYNDROME. Identifiers: Orphanet 300576, MedGen C1837750, MONDO:0012075, OMIM 608615. Disease mechanism: loss of function.
Hereditary cancer-predisposing syndrome. Also called: Neoplastic Syndromes, Hereditary; Hereditary Cancer Syndrome; Hereditary neoplastic syndrome; Tumor predisposition. Identifiers: Orphanet 140162, MedGen C0027672, MeSH D009386, MONDO:0015356.

Submissions (3):

Labcorp Genetics (formerly Invitae), Labcorp
Classification: Uncertain significance for Oligodontia-cancer predisposition syndrome. Last evaluated: 2025-05-12. Review status: criteria provided, single submitter. Criteria: Invitae Variant Classification Sherloc (09022015). Collection method: clinical testing. Allele origin: germline.
Comment: This sequence change replaces lysine, which is basic and polar, with threonine, which is neutral and polar, at codon 123 of the AXIN2 protein (p.Lys123Thr). This variant is not present in population databases (gnomAD no frequency). This variant has not been reported in the literature in individuals affected with AXIN2-related conditions. ClinVar contains an entry for this variant (Variation ID: 933325). Invitae Evidence Modeling of protein sequence and biophysical properties (such as structural, functional, and spatial information, amino acid conservation, physicochemical variation, residue mobility, and thermodynamic stability) indicates that this missense variant is not expected to disrupt AXIN2 protein function with a negative predictive value of 80%. In summary, the available evidence is currently insufficient to determine the role of this variant in disease. Therefore, it has been classified as a Variant of Uncertain Significance.

Ambry Genetics
Classification: Uncertain significance for Hereditary cancer-predisposing syndrome. Last evaluated: 2023-10-19. Review status: criteria provided, single submitter. Criteria: Ambry Variant Classification Scheme 2023. Collection method: clinical testing. Allele origin: germline.
Comment: The p.K123T variant (also known as c.368A>C), located in coding exon 1 of the AXIN2 gene, results from an A to C substitution at nucleotide position 368. The lysine at codon 123 is replaced by threonine, an amino acid with similar properties. This amino acid position is conserved. In addition, this alteration is predicted to be tolerated by in silico analysis. Since supporting evidence is limited at this time, the clinical significance of this alteration remains unclear.

Baylor Genetics
Classification: Uncertain significance for Colorectal cancer. Last evaluated: 2023-10-02. Review status: criteria provided, single submitter. Criteria: ACMG Guidelines, 2015. Collection method: clinical testing. Allele origin: unknown.

NM_004655.4(AXIN2):c.368A>C (p.Lys123Thr)

Gene: AXIN2 (axin 2; minus strand). Cytogenetic location: 17q24.1.
Variant type: single nucleotide variant.
Coding change: c.368A>C on transcript NM_004655.4 (MANE Select); coding-DNA position 368, A replaced by C.
Protein change: p.Lys123Thr; replaces lysine 123 with threonine.
Molecular consequence: missense variant.
Genome position (GRCh38, 1-based): chr17:65,558,253, T>G on the plus strand (A>C on the coding strand, the complement: AXIN2 is on the minus strand). VCF-style: chr17-65558253-T-G. GRCh37 (hg19) VCF-style: chr17-63554371-T-G.
Other names: c.368A>C, p.Lys123Thr (NM_001363813.1); short protein forms K123T.
Identifiers: ClinVar variation 933325 (VCV000933325.11), dbSNP rs2044303118, ClinGen allele CA400681545.